The following is an entry in ClinVar:

NM_001128840.3(CACNA1D):c.1233G>A (p.Lys411=)

Gene: CACNA1D (calcium voltage-gated channel subunit alpha1 D; plus strand). Cytogenetic location: 3p21.1.
Variant type: single nucleotide variant.
Coding change: c.1233G>A on transcript NM_001128840.3 (MANE Select); coding-DNA position 1233, G replaced by A.
Protein change: p.Lys411=; no amino-acid change (lysine 411 retained).
Molecular consequence: synonymous variant.
Genome position (GRCh38, 1-based): chr3:53,702,653, G>A. VCF-style: chr3-53702653-G-A. GRCh37 (hg19) VCF-style: chr3-53736680-G-A.
Other names: c.1233G>A, p.Lys411= (NM_000720.4, NM_001128839.3).
Identifiers: ClinVar variation 2164074 (VCV002164074.13), dbSNP rs570197675, ClinGen allele CA2453880.

ClinVar aggregate classification (germline): Likely benign. Review status: criteria provided, multiple submitters, no conflicts (2 of 4 stars). 3 submissions from 3 submitters: Likely benign (3). Last evaluated 2025-08-01.

Allele frequency attached by ClinVar (database versions not stated): gnomAD 0.00003; gnomAD exomes 0.00006; ExAC 0.00016; 1000 Genomes Project 0.00040; 1000 Genomes Project 30x 0.00047.
gnomAD v4.1: 105 of 1,613,942 alleles (0.0065%); highest among the groups gnomAD compares: South Asian, 0.1%; 2 homozygotes.

Submissions (3):

CeGaT Center for Human Genetics Tuebingen
Classification: Likely benign. Last evaluated: 2025-08-01. Review status: criteria provided, single submitter. Criteria: CeGaT Center For Human Genetics Tuebingen Variant Classification Criteria Version 2. Collection method: clinical testing. Allele origin: germline. Affected: yes. Observed: 1 variant allele.
Comment: CACNA1D: BP4, BP7

Labcorp Genetics (formerly Invitae), Labcorp
Classification: Likely benign. Last evaluated: 2025-04-27. Review status: criteria provided, single submitter. Criteria: Invitae Variant Classification Sherloc (09022015). Collection method: clinical testing. Allele origin: germline.

Blueprint Genetics
Classification: Likely benign. Last evaluated: 2024-11-22. Review status: criteria provided, single submitter. Criteria: ACMG Guidelines, 2015. Collection method: clinical testing. Allele origin: germline.